The following is an entry in ClinVar:

ClinVar aggregate classification (germline): Pathogenic (1 of 4 stars; one submission).

Conditions:
Nemaline myopathy 9 (NEM9). Identifiers: MedGen C3810384, MONDO:0014326, OMIM 615731.

Submission:

Labcorp Genetics (formerly Invitae), Labcorp
Classification: Pathogenic for Nemaline myopathy 9. Last evaluated: 2023-11-25. Review status: criteria provided, single submitter. Criteria: Invitae Variant Classification Sherloc (09022015). Collection method: clinical testing. Allele origin: germline.
Comment: This sequence change creates a premature translational stop signal (p.Glu564*) in the KLHL41 gene. While this is not anticipated to result in nonsense mediated decay, it is expected to disrupt the last 43 amino acid(s) of the KLHL41 protein. This variant is not present in population databases (gnomAD no frequency). This variant has not been reported in the literature in individuals affected with KLHL41-related conditions. ClinVar contains an entry for this variant (Variation ID: 1459768). Algorithms developed to predict the effect of sequence changes on RNA splicing suggest that this variant may disrupt the consensus splice site. This variant disrupts a region of the KLHL41 protein in which other variant(s) (p.Lys583Thrfs*7) have been determined to be pathogenic (PMID: 24268659). This suggests that this is a clinically significant region of the protein, and that variants that disrupt it are likely to be disease-causing. For these reasons, this variant has been classified as Pathogenic.

Literature cited by the submitters: PubMed 24268659.

NM_006063.3(KLHL41):c.1690G>T (p.Glu564Ter)

Gene: KLHL41 (kelch like family member 41; plus strand). Cytogenetic location: 2q31.1.
Variant type: single nucleotide variant.
Coding change: c.1690G>T on transcript NM_006063.3 (MANE Select); coding-DNA position 1690, G replaced by T.
Protein change: p.Glu564Ter; replaces glutamic acid 564 with a stop codon.
Molecular consequence: nonsense.
Genome position (GRCh38, 1-based): chr2:169,520,988, G>T. VCF-style: chr2-169520988-G-T. GRCh37 (hg19) VCF-style: chr2-170377498-G-T.
Other names: short protein forms E564*.
Identifiers: ClinVar variation 1459768 (VCV001459768.8), dbSNP rs2105312600, ClinGen allele CA349180101.
Genomic context (GRCh38, chr2:169,520,988, plus strand): 5'-CTGTATGCAATTGGTGGTTTTGCTATGATTCAACTGGAGTCTAAAGAATTTGCACCCACT[G>T]AAGTCAATGACATATGGAAGTAAGTTCTCATCACTTCAATTTTCAGAATCACATATTAAA-3'